The following is an entry in ClinVar:

NM_001001331.4(ATP2B2):c.2381C>T (p.Thr794Met)

Gene: ATP2B2 (ATPase plasma membrane Ca2+ transporting 2; minus strand). Cytogenetic location: 3p25.3.
Variant type: single nucleotide variant.
Coding change: c.2381C>T on transcript NM_001001331.4 (MANE Select); coding-DNA position 2381, C replaced by T.
Protein change: p.Thr794Met; replaces threonine 794 with methionine.
Molecular consequence: missense variant.
Genome position (GRCh38, 1-based): chr3:10,350,135, G>A on the plus strand (C>T on the coding strand, the complement: ATP2B2 is on the minus strand). VCF-style: chr3-10350135-G-A. GRCh37 (hg19) VCF-style: chr3-10391819-G-A.
Other names: c.2246C>T (NM_001683.3); c.2246C>T, p.Thr749Met (NM_001330611.3, NM_001353564.1, NM_001363862.1 and 1 more transcripts); short protein forms T749M, T794M.
Identifiers: ClinVar variation 1442956 (VCV001442956.7), dbSNP rs200946394, ClinGen allele CA2253408.
Genomic context (GRCh38, chr3:10,350,135, plus strand): 5'-TGGGCTTCAGGATTGCCCGTGCCCGCCCAAGTCTTACCTTTAACCAGGGTATGCTTGTCC[G>A]TTGGGGAGGAGCGAGCCAGCACCCGCAGCTTTGGCCAGATCTTGTCAATTCGCTCCTGCT-3'
Protein context (NP_001001331.1, residues 784-804): KLRVLARSSP[Thr794Met]DKHTLVKGII

ClinVar aggregate classification (germline): Uncertain significance. Review status: criteria provided, multiple submitters, no conflicts (2 of 4 stars). 2 submissions from 2 submitters: Uncertain significance (2). Last evaluated 2025-12-01.

Allele frequency attached by ClinVar (database versions not stated): ExAC 0.00003; gnomAD exomes 0.00004 and 0.00006; TOPMed 0.00006; gnomAD 0.00007; 1000 Genomes Project 30x 0.00016; 1000 Genomes Project 0.00020.
gnomAD v4.1: 71 of 1,612,664 alleles (0.0044%); highest among the groups gnomAD compares: South Asian, 0.0055%; no homozygotes.

Submissions (2):

Labcorp Genetics (formerly Invitae), Labcorp
Classification: Uncertain significance. Last evaluated: 2025-12-01. Review status: criteria provided, single submitter. Criteria: Invitae Variant Classification Sherloc (09022015). Collection method: clinical testing. Allele origin: germline.
Comment: This sequence change replaces threonine, which is neutral and polar, with methionine, which is neutral and non-polar, at codon 749 of the ATP2B2 protein (p.Thr749Met). This variant is present in population databases (rs200946394, gnomAD 0.05%), and has an allele count higher than expected for a pathogenic variant. This variant has not been reported in the literature in individuals affected with ATP2B2-related conditions. ClinVar contains an entry for this variant (Variation ID: 1442956). Invitae Evidence Modeling of protein sequence and biophysical properties (such as structural, functional, and spatial information, amino acid conservation, physicochemical variation, residue mobility, and thermodynamic stability) indicates that this missense variant is not expected to disrupt ATP2B2 protein function with a negative predictive value of 80%. In summary, the available evidence is currently insufficient to determine the role of this variant in disease. Therefore, it has been classified as a Variant of Uncertain Significance.

Ambry Genetics
Classification: Uncertain significance. Last evaluated: 2025-04-06. Review status: criteria provided, single submitter. Criteria: Ambry Variant Classification Scheme 2023. Collection method: clinical testing. Allele origin: germline.